The following is an entry in ClinVar:

ClinVar aggregate classification (germline): Uncertain significance. Review status: criteria provided, multiple submitters, no conflicts (2 of 4 stars). 6 submissions from 6 submitters: Uncertain significance (6). Last evaluated 2026-05-01.

Conditions:
Emery-Dreifuss muscular dystrophy 4, autosomal dominant (EDMD4). Also called: EMERY-DREIFUSS MUSCULAR DYSTROPHY 4 WITH VARIABLE FEATURES. Identifiers: Orphanet 261, MedGen C2751807, MONDO:0013071, OMIM 612998.
Autosomal recessive ataxia, Beauce type. Also called: SYNE1 Deficiency; SYNE1-Related Autosomal Recessive Cerebellar Ataxia; ATAXIA, RECESSIVE, OF BEAUCE; Spinocerebellar ataxia, autosomal recessive 8. Identifiers: Orphanet 88644, MedGen C1853116, MONDO:0012549, OMIM 610743.

Allele frequency attached by ClinVar (database versions not stated): ExAC 0.00007; ESP Exome Variant Server 0.00008; gnomAD 0.00010; TOPMed 0.00013.
gnomAD v4.1: 203 of 1,613,930 alleles (0.013%); highest among the groups gnomAD compares: South Asian, 0.021%; no homozygotes.

Submissions (6):

CeGaT Center for Human Genetics Tuebingen
Classification: Uncertain significance. Last evaluated: 2026-05-01. Review status: criteria provided, single submitter. Criteria: CeGaT Center For Human Genetics Tuebingen Variant Classification Criteria Version 2. Collection method: clinical testing. Allele origin: germline. Affected: yes. Observed: 1 variant allele.
Comment: SYNE1: PM2, BP4

Mayo Clinic Laboratories, Mayo Clinic
Classification: Uncertain significance. Last evaluated: 2025-10-15. Review status: criteria provided, single submitter. Criteria: ACMG Guidelines, 2015. Collection method: clinical testing. Allele origin: germline. Observed: 1 variant allele.
Comment: BP4_moderate

Revvity Omics, Revvity
Classification: Uncertain significance. Last evaluated: 2025-05-06. Review status: criteria provided, single submitter. Criteria: ACMG Guidelines, 2015. Collection method: clinical testing. Allele origin: germline.

Athena Diagnostics
Classification: Uncertain significance. Last evaluated: 2024-07-30. Review status: criteria provided, single submitter. Criteria: Athena Diagnostics Criteria. Collection method: clinical testing. Allele origin: unknown.
Comment: Available data are insufficient to determine the clinical significance of the variant at this time. The frequency of this variant in the general population is uninformative in assessment of its pathogenicity. Polyphen and MutationTaster predict this amino acid change may be benign.

Labcorp Genetics (formerly Invitae), Labcorp
Classification: Uncertain significance for Emery-Dreifuss muscular dystrophy 4, autosomal dominant; Autosomal recessive ataxia, Beauce type. Last evaluated: 2023-11-27. Review status: criteria provided, single submitter. Criteria: Invitae Variant Classification Sherloc (09022015). Collection method: clinical testing. Allele origin: germline.
Comment: This sequence change replaces alanine, which is neutral and non-polar, with threonine, which is neutral and polar, at codon 7568 of the SYNE1 protein (p.Ala7568Thr). This variant is present in population databases (rs376169744, gnomAD 0.02%). This variant has not been reported in the literature in individuals affected with SYNE1-related conditions. ClinVar contains an entry for this variant (Variation ID: 285467). An algorithm developed to predict the effect of missense changes on protein structure and function (PolyPhen-2) suggests that this variant¬¨‚Ä†is likely to be tolerated. In summary, the available evidence is currently insufficient to determine the role of this variant in disease. Therefore, it has been classified as a Variant of Uncertain Significance.

Eurofins Ntd Llc (ga)
Classification: Uncertain significance. Last evaluated: 2016-01-23. Review status: criteria provided, single submitter. Criteria: EGL Classification Definitions 2015. Collection method: clinical testing. Allele origin: germline. Observed: 2 variant alleles, 2 heterozygotes.

NM_182961.4(SYNE1):c.22915G>A (p.Ala7639Thr)

Gene: SYNE1 (spectrin repeat containing nuclear envelope protein 1; minus strand). Cytogenetic location: 6q25.2.
Variant type: single nucleotide variant.
Coding change: c.22915G>A on transcript NM_182961.4 (MANE Select); coding-DNA position 22915, G replaced by A.
Protein change: p.Ala7639Thr; replaces alanine 7639 with threonine.
Molecular consequence: missense variant.
Genome position (GRCh38, 1-based): chr6:152,206,272, C>T on the plus strand (G>A on the coding strand, the complement: SYNE1 is on the minus strand). VCF-style: chr6-152206272-C-T. GRCh37 (hg19) VCF-style: chr6-152527407-C-T.
Other names: p.Ala7568Thr; c.22702G>A, p.Ala7568Thr (NM_033071.5); c.22702G>A (NM_033071.3); short protein forms A7568T, A7639T.
Identifiers: ClinVar variation 285467 (VCV000285467.23), dbSNP rs376169744, ClinGen allele CA4053752.